The following is an entry in ClinVar:

NM_004924.6(ACTN4):c.1236C>A (p.Asp412Glu)

Gene: ACTN4 (actinin alpha 4; plus strand). Cytogenetic location: 19q13.2.
Variant type: single nucleotide variant.
Coding change: c.1236C>A on transcript NM_004924.6 (MANE Select); coding-DNA position 1236, C replaced by A.
Protein change: p.Asp412Glu; replaces aspartic acid 412 with glutamic acid.
Molecular consequence: missense variant.
Genome position (GRCh38, 1-based): chr19:38,718,019, C>A. VCF-style: chr19-38718019-C-A. GRCh37 (hg19) VCF-style: chr19-39208659-C-A.
Other names: c.1236C>A, p.Asp412Glu (NM_001322033.2, NM_001411143.1); c.1236C>A (NM_004924.4); short protein forms D412E.
Identifiers: ClinVar variation 1977588 (VCV001977588.7), dbSNP rs754390440, ClinGen allele CA9417559.
Genomic context (GRCh38, chr19:38,718,019, plus strand): 5'-GGCTGAGAAGGGCTACGAGGAGTGGCTGCTGAATGAGATCCGCAGGCTGGAGCGGCTCGA[C>A]CACCTGGCAGAGAAGTTCCGGCAGAAGGCCTCCATCCACGAGGCCTGGACTGACGGTACG-3'
Protein context (NP_004915.2, residues 402-422): LNEIRRLERL[Asp412Glu]HLAEKFRQKA

ClinVar aggregate classification (germline): Conflicting classifications of pathogenicity. Review status: criteria provided, conflicting classifications (1 of 4 stars). 3 submissions from 3 submitters: Uncertain significance (2); Likely benign (1). Last evaluated 2025-10-29.

Conditions:
Inborn genetic diseases. Identifiers: MedGen C0950123, MeSH D030342.
Focal segmental glomerulosclerosis 1 (FSGS1). Identifiers: Orphanet 656, MedGen C4551527, MONDO:0011303, OMIM 603278.

Allele frequency attached by ClinVar (database versions not stated): gnomAD 0.00001; ExAC 0.00005; TOPMed 0.00005.
gnomAD v4.1: 148 of 1,607,272 alleles (0.0092%); highest among the groups gnomAD compares: Non-Finnish European, 0.012%; no homozygotes.

Submissions (3):

Ambry Genetics
Classification: Likely benign for Inborn genetic diseases. Last evaluated: 2025-10-29. Review status: criteria provided, single submitter. Criteria: Ambry Variant Classification Scheme 2023. Collection method: clinical testing. Allele origin: germline.

Fulgent Genetics
Classification: Uncertain significance for Focal segmental glomerulosclerosis 1. Last evaluated: 2024-06-24. Review status: criteria provided, single submitter. Criteria: ACMG Guidelines, 2015. Collection method: clinical testing. Allele origin: germline.

Labcorp Genetics (formerly Invitae), Labcorp
Classification: Uncertain significance. Last evaluated: 2022-06-04. Review status: criteria provided, single submitter. Criteria: Invitae Variant Classification Sherloc (09022015). Collection method: clinical testing. Allele origin: germline.
Comment: This variant has not been reported in the literature in individuals affected with ACTN4-related conditions. This sequence change replaces aspartic acid, which is acidic and polar, with glutamic acid, which is acidic and polar, at codon 412 of the ACTN4 protein (p.Asp412Glu). This variant is present in population databases (rs754390440, gnomAD 0.009%). Algorithms developed to predict the effect of missense changes on protein structure and function are either unavailable or do not agree on the potential impact of this missense change (SIFT: "Not Available"; PolyPhen-2: "Benign"; Align-GVGD: "Not Available"). In summary, the available evidence is currently insufficient to determine the role of this variant in disease. Therefore, it has been classified as a Variant of Uncertain Significance.